The following is an entry in ClinVar:

ClinVar aggregate classification (germline): Uncertain significance (1 of 4 stars; one submission).

Conditions:
Distal hereditary motor neuropathy type 2. Identifiers: Orphanet 139525, MedGen C3711384, MeSH C580044, MONDO:0015352.

Allele frequency attached by ClinVar (database versions not stated): gnomAD exomes below 0.00001; ExAC 0.00001; gnomAD 0.00001.
gnomAD v4.1: 6 of 1,612,620 alleles (0.00037%); highest among the groups gnomAD compares: East Asian, 0.0022%; no homozygotes.

Submission:

Labcorp Genetics (formerly Invitae), Labcorp
Classification: Uncertain significance for Distal hereditary motor neuropathy type 2. Last evaluated: 2023-05-30. Review status: criteria provided, single submitter. Criteria: Invitae Variant Classification Sherloc (09022015). Collection method: clinical testing. Allele origin: germline.
Comment: In summary, the available evidence is currently insufficient to determine the role of this variant in disease. Therefore, it has been classified as a Variant of Uncertain Significance. This sequence change replaces serine, which is neutral and polar, with arginine, which is basic and polar, at codon 87 of the FBXO38 protein (p.Ser87Arg). This variant is present in population databases (rs748706886, gnomAD 0.005%). This variant has not been reported in the literature in individuals affected with FBXO38-related conditions. Advanced modeling of protein sequence and biophysical properties (such as structural, functional, and spatial information, amino acid conservation, physicochemical variation, residue mobility, and thermodynamic stability) performed at Invitae indicates that this missense variant is not expected to disrupt FBXO38 protein function.

NM_205836.3(FBXO38):c.261T>A (p.Ser87Arg)

Gene: FBXO38 (F-box protein 38; plus strand). Cytogenetic location: 5q32.
Variant type: single nucleotide variant.
Coding change: c.261T>A on transcript NM_205836.3 (MANE Select); coding-DNA position 261, T replaced by A.
Protein change: p.Ser87Arg; replaces serine 87 with arginine.
Molecular consequence: missense variant.
Genome position (GRCh38, 1-based): chr5:148,399,131, T>A. VCF-style: chr5-148399131-T-A. GRCh37 (hg19) VCF-style: chr5-147778694-T-A.
Other names: c.261T>A, p.Ser87Arg (NM_001271723.2, NM_030793.5); short protein forms S87R.
Identifiers: ClinVar variation 2886004 (VCV002886004.3), dbSNP rs748706886, ClinGen allele CA3496995.
Genomic context (GRCh38, chr5:148,399,131, plus strand): 5'-TCTGCGAGTTGTGAGAGTTGTAGATCTCTGTGCAGGGCGGTGGTGGGAATACATGCCAAG[T>A]GGTAAGTGGATTTAGTCTGTGAAGTACAGTAGTGTCCTACTGGAAAGTAGTAACAATGGT-3'
Protein context (NP_995308.1, residues 77-97): CAGRWWEYMP[Ser87Arg]GFTDASFLTL